The following is an entry in ClinVar:

ClinVar aggregate classification (germline): Benign. Review status: reviewed by expert panel (3 of 4 stars). 3 submissions from 3 submitters: Benign (1). 2 of the submissions do not count toward it. Last evaluated 2015-01-12.

Conditions:
Breast-ovarian cancer, familial, susceptibility to, 1 (BROVCA1). Also called: BRCA1 Hereditary Breast and Ovarian Cancer; OVARIAN CANCER, SUSCEPTIBILITY TO. Identifiers: Orphanet 145, MedGen C2676676, MONDO:0011450, OMIM 604370. Disease mechanism: loss of function.

Allele frequency attached by ClinVar (database versions not stated): TOPMed 0.29164; gnomAD 0.30314 and 0.31035; 1000 Genomes Project 30x 0.33542; 1000 Genomes Project 0.34285.
gnomAD v4.1: 47,214 of 152,060 alleles (31%); highest among the groups gnomAD compares: South Asian, 49%; 7,714 homozygotes.

Submissions (3):

Evidence-based Network for the Interpretation of Germline Mutant Alleles (ENIGMA)
Classification: Benign for Breast-ovarian cancer, familial 1. Last evaluated: 2015-01-12. Review status: reviewed by expert panel. Criteria: ENIGMA BRCA1/2 Classification Criteria (2015). Collection method: curation. Allele origin: germline.
Comment: Class 1 not pathogenic based on frequency >1% in an outbred sampleset. Frequency 0.3304 (Asian), 0.2154 (African), 0.3602 (European), derived from 1000 genomes (2012-04-30).

GeneDx
Classification: Benign. Last evaluated: 2018-07-09. Review status: criteria provided, single submitter. Criteria: GeneDx Variant Classification Process June 2021. Collection method: clinical testing. Allele origin: germline. Affected: yes. Not counted in ClinVar's aggregate classification.

Breakthrough Genomics
Classification: Benign. Review status: criteria provided, single submitter. Criteria: ACMG Guidelines, 2015. Collection method: not provided. Allele origin: germline. Inheritance: Autosomal recessive inheritance. Affected: yes. Not counted in ClinVar's aggregate classification.

NM_007294.4(BRCA1):c.5278-2922A>G

Gene: BRCA1 (BRCA1 DNA repair associated; minus strand). Cytogenetic location: 17q21.31.
Variant type: single nucleotide variant.
Coding change: c.5278-2922A>G on transcript NM_007294.4 (MANE Select); 2922 bases into the intron before coding-DNA position 5278, A replaced by G.
Molecular consequence: intron variant.
Genome position (GRCh38, 1-based): chr17:43,054,039, T>C on the plus strand (A>G on the coding strand, the complement: BRCA1 is on the minus strand). VCF-style: chr17-43054039-T-C. GRCh37 (hg19) VCF-style: chr17-41206056-T-C.
Other names: IVS 20-2922A>G; c.5134-2922A>G (NM_001407735.1, NM_001407744.1, NM_001407750.1 and 21 more transcripts); c.5137-2922A>G (NM_001407729.1, NM_001407698.1, NM_001407942.1 and 13 more transcripts); c.5065-2922A>G (NM_001407899.1, NM_001407895.1, NM_001407910.1 and 12 more transcripts); c.1639-2922A>G (NM_001408507.1); c.1723-2922A>G (NM_001408495.1); c.1840-2922A>G (NM_001408448.1, NM_001408445.1, NM_001408450.1 and 2 more transcripts); c.1849-2922A>G (NM_001408421.1, NM_001408424.1, NM_001408422.1 and 1 more transcripts); and 75 more.
Identifiers: ClinVar variation 209279 (VCV000209279.5), dbSNP rs8176289, ClinGen allele CA276251.